The following is an entry in ClinVar:

ClinVar aggregate classification (germline): Conflicting classifications of pathogenicity. Review status: criteria provided, conflicting classifications (1 of 4 stars). 12 submissions from 12 submitters: Uncertain significance (2); Likely benign (9). 1 of the submissions does not count toward it. Last evaluated 2026-01-25.

Conditions:
Inherited breast cancer and ovarian cancer.
BRCA2-related disorder. Also called: BRCA2-related condition; BRCA2-related disorders. Identifiers: MedGen CN239275.
Hereditary cancer-predisposing syndrome. Also called: Hereditary Cancer Syndrome; Tumor predisposition; Neoplastic Syndromes, Hereditary; Hereditary neoplastic syndrome. Identifiers: Orphanet 140162, MedGen C0027672, MeSH D009386, MONDO:0015356.
Hereditary breast ovarian cancer syndrome. Also called: Hereditary breast and ovarian cancer syndrome; Hereditary breast and/or ovarian cancer syndrome; Hereditary breast and ovarian cancer; Hereditary breast and ovarian cancer syndrome (HBOC); Breast and ovarian cancer; BRCA1- and BRCA2-Associated Hereditary Breast and Ovarian Cancer. Identifiers: Orphanet 145, MedGen C0677776, MeSH D061325, MONDO:0003582. Disease mechanism: loss of function.
Breast-ovarian cancer, familial, susceptibility to, 2 (BROVCA2). Also called: BRCA2 Hereditary Breast and Ovarian Cancer. Identifiers: Orphanet 145, MedGen C2675520, MONDO:0012933, OMIM 612555. Disease mechanism: loss of function.

Allele frequency attached by ClinVar (database versions not stated): ExAC 0.00001; gnomAD 0.00001; gnomAD exomes 0.00001; TOPMed 0.00002.
gnomAD v4.1: 19 of 1,606,690 alleles (0.0012%); highest among the groups gnomAD compares: Middle Eastern, 0.017%; no homozygotes.

Submissions (12):

Labcorp Genetics (formerly Invitae), Labcorp
Classification: Likely benign for Hereditary breast ovarian cancer syndrome. Last evaluated: 2026-01-25. Review status: criteria provided, single submitter. Criteria: Invitae Variant Classification Sherloc (09022015). Collection method: clinical testing. Allele origin: germline.

Mayo Clinic Laboratories, Mayo Clinic
Classification: Likely benign. Last evaluated: 2025-08-08. Review status: criteria provided, single submitter. Criteria: ACMG Guidelines, 2015. Collection method: clinical testing. Allele origin: germline. Observed: 1 variant allele.

Quest Diagnostics Nichols Institute San Juan Capistrano
Classification: Uncertain significance. Last evaluated: 2024-12-05. Review status: criteria provided, single submitter. Criteria: Quest Diagnostics criteria. Collection method: clinical testing. Allele origin: unknown.
Comment: The BRCA2 c.6271A>C (p.Ser2091Arg) variant has been identified in the published literature in a reportedly healthy individual (PMID: 32467295 (2020)). In addition, this variant has been reported to be located in a region of the BRCA2 gene that is tolerant to missense sequence changes (PMID: 31911673 (2020)). The frequency of this variant in the general population (Genome Aggregation Database) is uninformative in the assessment of its pathogenicity. Analysis of this variant using bioinformatics tools for the prediction of the effect of amino acid changes on protein structure and function yielded predictions that this variant is benign. Based on the available information, we are unable to determine the clinical significance of this variant.

PreventionGenetics, part of Exact Sciences
Classification: Likely benign for BRCA2-related condition. Last evaluated: 2024-11-08. Review status: criteria provided, single submitter. Criteria: ACMG Guidelines, 2015. Collection method: clinical testing. Allele origin: germline.
Comment: This variant is classified as likely benign based on ACMG/AMP sequence variant interpretation guidelines (Richards et al. 2015 PMID: 25741868, with internal and published modifications).

Genomics and Molecular Medicine Service, East Genomic Laboratory Hub, NHS Genomic Medicine Service
Classification: Likely benign for Inherited breast cancer and ovarian cancer. Last evaluated: 2024-06-26. Review status: criteria provided, single submitter. Criteria: ACGS Best Practice Guidelines for Variant Classification in Rare Disease 2020. Collection method: clinical testing. Allele origin: germline. Affected: yes.
Comment: BP1,BP4

Women's Health and Genetics/Laboratory Corporation of America, LabCorp
Classification: Uncertain significance. Last evaluated: 2024-01-11. Review status: criteria provided, single submitter. Criteria: LabCorp Variant Classification Summary - May 2015. Collection method: clinical testing. Allele origin: germline.

All of Us Research Program, National Institutes of Health
Classification: Likely benign for Breast-ovarian cancer, familial, susceptibility to, 2. Last evaluated: 2023-12-18. Review status: criteria provided, single submitter. Criteria: ACMG Guidelines, 2015. Collection method: clinical testing. Allele origin: germline. Inheritance: Autosomal dominant inheritance. Observed: 5 variant alleles, 5 heterozygotes.
Comment: This study involves interpretation of variants in research participants for the purpose of population health screening. Participant phenotype was not available at the time of variant classification. Additional details can be found in publication PMID: 35346344, PMCID: PMC8962531

University of Washington Department of Laboratory Medicine, University of Washington
Classification: Likely benign for Hereditary cancer-predisposing syndrome. Last evaluated: 2023-03-23. Review status: criteria provided, single submitter. Criteria: Dines et al. (Genet Med. 2020). Collection method: curation. Allele origin: germline.
Comment: Missense variant in a coldspot region where missense variants are very unlikely to be pathogenic (PMID:31911673).

BRCA2 exon 11 coldspot. Reclassification based on statistical prior probability.

Ambry Genetics
Classification: Likely benign for Hereditary cancer-predisposing syndrome. Last evaluated: 2019-02-01. Review status: criteria provided, single submitter. Criteria: Ambry Variant Classification Scheme 2023. Collection method: clinical testing. Allele origin: germline.

GeneDx
Classification: Likely benign. Last evaluated: 2018-01-11. Review status: criteria provided, single submitter. Criteria: GeneDx Variant Classification (06012015). Collection method: clinical testing. Allele origin: germline. Affected: yes.
Comment: This variant is considered likely benign or benign based on one or more of the following criteria: it is a conservative change, it occurs at a poorly conserved position in the protein, it is predicted to be benign by multiple in silico algorithms, and/or has population frequency not consistent with disease.

Color Diagnostics, LLC DBA Color Health
Classification: Likely benign for Hereditary cancer-predisposing syndrome. Last evaluated: 2017-03-22. Review status: criteria provided, single submitter. Criteria: ACMG Guidelines, 2015. Collection method: clinical testing. Allele origin: germline.

Sharing Clinical Reports Project (SCRP)
Classification: Likely benign for Breast-ovarian cancer, familial 2. Last evaluated: 2012-05-07. Review status: no assertion criteria provided. Collection method: clinical testing. Allele origin: germline. Not counted in ClinVar's aggregate classification.

Literature cited by the submitters: PubMed 31911673 (cited by Quest Diagnostics Nichols Institute San Juan Capistrano); PubMed 32467295 (cited by Quest Diagnostics Nichols Institute San Juan Capistrano).

NM_000059.4(BRCA2):c.6271A>C (p.Ser2091Arg)

Gene: BRCA2 (BRCA2 DNA repair associated; plus strand). Cytogenetic location: 13q13.1.
Variant type: single nucleotide variant.
Coding change: c.6271A>C on transcript NM_000059.4 (MANE Select); coding-DNA position 6271, A replaced by C.
Protein change: p.Ser2091Arg; replaces serine 2091 with arginine.
Molecular consequence: missense variant.
Genome position (GRCh38, 1-based): chr13:32,340,626, A>C. VCF-style: chr13-32340626-A-C. GRCh37 (hg19) VCF-style: chr13-32914763-A-C.
Other names: p.Ser2091Arg; 6499A>C; short protein forms S2091R.
Identifiers: ClinVar variation 91441 (VCV000091441.30), dbSNP rs398122550, ClinGen allele CA023804.